The following is an entry in ClinVar:

ClinVar aggregate classification (germline): Pathogenic (1 of 4 stars; one submission).

Conditions:
Hereditary diffuse gastric adenocarcinoma (HDGC). Also called: DIFFUSE GASTRIC AND LOBULAR BREAST CANCER SYNDROME. Identifiers: Orphanet 26106, MedGen C1708349, MONDO:0007648, OMIM 137215.

Submission:

Labcorp Genetics (formerly Invitae), Labcorp
Classification: Pathogenic for Hereditary diffuse gastric adenocarcinoma. Last evaluated: 2024-11-16. Review status: criteria provided, single submitter. Criteria: Invitae Variant Classification Sherloc (09022015). Collection method: clinical testing. Allele origin: germline.
Comment: This sequence change creates a premature translational stop signal (p.Val588Glufs*2) in the CDH1 gene. It is expected to result in an absent or disrupted protein product. Loss-of-function variants in CDH1 are known to be pathogenic (PMID: 15235021, 20373070). This variant is not present in population databases (gnomAD no frequency). This premature translational stop signal has been observed in individual(s) with diffuse gastric cancer (PMID: 26176257). ClinVar contains an entry for this variant (Variation ID: 862913). For these reasons, this variant has been classified as Pathogenic.

Literature cited by the submitters: PubMed 15235021; PubMed 20373070; PubMed 26176257.

NM_004360.5(CDH1):c.1763_1764del (p.Val588fs)

Gene: CDH1 (cadherin 1; plus strand). Cytogenetic location: 16q22.1.
Variant type: Microsatellite.
Coding change: c.1763_1764del on transcript NM_004360.5 (MANE Select); coding-DNA positions 1763 to 1764, 2 bases deleted (TG; older notation c.1763_1764delTG).
Protein change: p.Val588fs; shifts the reading frame from valine 588.
Molecular consequence: frameshift variant. On other transcripts: 5 prime UTR variant (1).
Genome position (GRCh38, 1-based): chr16:68,822,052-68,822,053, TG deleted; deleting any 2 consecutive bases within chr16:68,822,050-68,822,053 gives the same sequence; the c. name uses the placement nearest the transcript's 3' end. VCF-style (leftmost placement, unchanged base first): chr16-68822049-ATG-A. GRCh37 (hg19) VCF-style: chr16-68855952-ATG-A.
Other names: c.1580_1581del, p.Val527fs (NM_001317184.2); c.215_216del, p.Val72fs (NM_001317185.2); c.-205TG[1] (NM_001317186.2); short protein forms V72fs, V527fs, V588fs.
Identifiers: ClinVar variation 862913 (VCV000862913.10), dbSNP rs1961158988, ClinGen allele CA916081835.
Genomic context (GRCh38, chr16:68,822,049, plus strand): 5'-ATTTTCTCTTAGGTTCTCCAGTTGCTACTGGAACAGGGACACTTCTGCTGATCCTGTCTG[ATG>A]TGAATGACAACGCCCCCATACCAGAACCTCGAACTATATTCTTCTGTGAGAGGAATCCAA-3'